The following is an entry in ClinVar:

NM_012330.4(KAT6B):c.1070C>A (p.Thr357Asn)

Gene: KAT6B (lysine acetyltransferase 6B; plus strand). Cytogenetic location: 10q22.2.
Variant type: single nucleotide variant.
Coding change: c.1070C>A on transcript NM_012330.4 (MANE Select); coding-DNA position 1070, C replaced by A.
Protein change: p.Thr357Asn; replaces threonine 357 with asparagine.
Molecular consequence: missense variant. On other transcripts: intron variant (5).
Genome position (GRCh38, 1-based): chr10:74,975,407, C>A. VCF-style: chr10-74975407-C-A. GRCh37 (hg19) VCF-style: chr10-76735165-C-A.
Other names: c.1070C>A, p.Thr357Asn (NM_001256468.2, NM_001256469.2, NM_001370132.1 and 7 more transcripts); c.929-1909C>A (NM_001370143.1, NM_001370144.1); c.193-13612C>A (NM_001370135.1); c.846+5632C>A (NM_001370133.1); c.193-3817C>A (NM_001370134.1); short protein forms T357N.
Identifiers: ClinVar variation 1059359 (VCV001059359.10), dbSNP rs2133719323, ClinGen allele CA377284390.

ClinVar aggregate classification (germline): Uncertain significance (1 of 4 stars; one submission).

Conditions:
Genitopatellar syndrome (GTPTS). Also called: Genitopatellar syndrome (GPS); ABSENT PATELLAE, SCROTAL HYPOPLASIA, RENAL ANOMALIES, FACIAL DYSMORPHISM, AND MENTAL RETARDATION. Identifiers: Orphanet 85201, MedGen C1853566, MONDO:0011640, OMIM 606170.

Submission:

Labcorp Genetics (formerly Invitae), Labcorp
Classification: Uncertain significance for Genitopatellar syndrome. Last evaluated: 2020-03-05. Review status: criteria provided, single submitter. Criteria: Invitae Variant Classification Sherloc (09022015). Collection method: clinical testing. Allele origin: germline.
Comment: In summary, the available evidence is currently insufficient to determine the role of this variant in disease. Therefore, it has been classified as a Variant of Uncertain Significance. This sequence change replaces threonine with asparagine at codon 357 of the KAT6B protein (p.Thr357Asn). The threonine residue is moderately conserved and there is a small physicochemical difference between threonine and asparagine. This variant is not present in population databases (ExAC no frequency). This variant has not been reported in the literature in individuals with KAT6B-related conditions. Algorithms developed to predict the effect of missense changes on protein structure and function are either unavailable or do not agree on the potential impact of this missense change (SIFT: "Tolerated"; PolyPhen-2: "Probably Damaging"; Align-GVGD: "Class C0").